The following is an entry in ClinVar:

NM_001369.3(DNAH5):c.10604_10608dup (p.Glu3537fs)

Gene: DNAH5 (dynein axonemal heavy chain 5; minus strand). Cytogenetic location: 5p15.2.
Variant type: Duplication.
Coding change: c.10604_10608dup on transcript NM_001369.3 (MANE Select); coding-DNA positions 10604 to 10608, 5 bases duplicated (ACCAA; older notation c.10604_10608dupACCAA).
Protein change: p.Glu3537fs; shifts the reading frame from glutamic acid 3537.
Molecular consequence: frameshift variant.
Genome position (GRCh38, 1-based): chr5:13,753,497-13,753,501, TTGGT duplicated on the plus strand (ACCAA on the coding strand, the reverse complement: DNAH5 is on the minus strand); duplicating any 5 consecutive bases within chr5:13,753,497-13,753,502 gives the same sequence; the c. name uses the placement nearest the transcript's 3' end. VCF-style (leftmost placement, unchanged base first): chr5-13753496-C-CTTGGT. GRCh37 (hg19) VCF-style: chr5-13753605-C-CTTGGT.
Other names: c.10604_10608dupACCAA (NM_001369.2); short protein forms E3537fs.
Identifiers: ClinVar variation 1071663 (VCV001071663.8), dbSNP rs1380450190, ClinGen allele CA557876529.
Genomic context (GRCh38, chr5:13,753,496, plus strand): 5'-ATGGAATTTTCCGGGCTTTCATTTCCTTCCGCCAGTCATTTAACAGAAGATCACGAAACT[C>CTTGGT]TTGGTTAAATGGACCAGAATAAGATAGAAAAGCTGTAGCCAACAGTACATCCCCTAAAAT-3'

ClinVar aggregate classification (germline): Pathogenic/Likely pathogenic. Review status: criteria provided, multiple submitters, no conflicts (2 of 4 stars). 2 submissions from 2 submitters: Pathogenic (1); Likely pathogenic (1). Last evaluated 2024-03-14.

Conditions:
Primary ciliary dyskinesia. Also called: Ciliary dyskinesia. Identifiers: Orphanet 244, MedGen C0008780, MONDO:0016575, HP:0012265.

Submissions (2):

Natera, Inc.
Classification: Likely pathogenic for Primary ciliary dyskinesia. Last evaluated: 2024-03-14. Review status: criteria provided, single submitter. Criteria: Natera Variant Classification Schema (03/2026). Collection method: clinical testing. Allele origin: germline.
Comment: The c.10604_10608dupACCAA variant in DNAH5 is a frameshift variant predicted to shift the reading frame beginning at codon 3537 and leads to a stop codon 9 codons downstream. This variant is expected to result in nonsense mediated decay, truncation, or a dysfunctional protein product. This variant is rare in the general population with a frequency below the threshold expected for the associated phenotype(s). Given the available evidence, this variant is classified as Likely Pathogenic.

Labcorp Genetics (formerly Invitae), Labcorp
Classification: Pathogenic for Primary ciliary dyskinesia. Last evaluated: 2021-12-11. Review status: criteria provided, single submitter. Criteria: Invitae Variant Classification Sherloc (09022015). Collection method: clinical testing. Allele origin: germline.
Comment: This sequence change creates a premature translational stop signal (p.Glu3537Thrfs*9) in the DNAH5 gene. It is expected to result in an absent or disrupted protein product. Loss-of-function variants in DNAH5 are known to be pathogenic (PMID: 11788826, 16627867). This variant is present in population databases (no rsID available, gnomAD 0.01%). This variant has not been reported in the literature in individuals affected with DNAH5-related conditions. ClinVar contains an entry for this variant (Variation ID: 1071663). For these reasons, this variant has been classified as Pathogenic.

Literature cited by the submitters: PubMed 11788826 (cited by Labcorp Genetics (formerly Invitae), Labcorp); PubMed 16627867 (cited by Labcorp Genetics (formerly Invitae), Labcorp).